The following is an entry in ClinVar:

ClinVar aggregate classification (germline): Pathogenic (1 of 4 stars; one submission).

Submission:

GeneDx
Classification: Pathogenic. Last evaluated: 2022-12-19. Review status: criteria provided, single submitter. Criteria: GeneDx Variant Classification Process June 2021. Collection method: clinical testing. Allele origin: germline.
Comment: Nonsense variant predicted to result in protein truncation or nonsense mediated decay in a gene for which loss-of-function is a known mechanism of disease; Not observed at significant frequency in large population cohorts (gnomAD); This variant is associated with the following publications: (PMID: 35433561)

NM_001190737.2(NFIB):c.870C>A (p.Tyr290Ter)

Gene: NFIB (nuclear factor I B; minus strand). Cytogenetic location: 9p23.
Variant type: single nucleotide variant.
Coding change: c.870C>A on transcript NM_001190737.2 (MANE Select); coding-DNA position 870, C replaced by A.
Protein change: p.Tyr290Ter; replaces tyrosine 290 with a stop codon.
Molecular consequence: nonsense. On other transcripts: non-coding transcript variant (4).
Genome position (GRCh38, 1-based): chr9:14,146,744, G>T on the plus strand (C>A on the coding strand, the complement: NFIB is on the minus strand). VCF-style: chr9-14146744-G-T. GRCh37 (hg19) VCF-style: chr9-14146743-G-T.
Other names: c.948C>A, p.Tyr316Ter (NM_001190738.2); c.114C>A, p.Tyr38Ter (NM_001282787.2); c.936C>A, p.Tyr312Ter (NM_001369458.1, NM_001369459.1, NM_001369462.1 and 1 more transcripts); c.858C>A, p.Tyr286Ter (NM_001369460.1, NM_001369463.1, NM_001369466.1 and 2 more transcripts); c.870C>A, p.Tyr290Ter (NM_001369461.1, NM_001369464.1, NM_001369471.1 and 1 more transcripts); c.843C>A, p.Tyr281Ter (NM_001369465.1, NM_001369467.1, NM_001369476.1); c.726C>A, p.Tyr242Ter (NM_001369469.1); c.633C>A, p.Tyr211Ter (NM_001369470.1, NM_001369478.1); and 4 more; short protein forms Y111*, Y211*, Y215*, Y242*, Y272*, Y281*, Y285*, Y286*.
Identifiers: ClinVar variation 1800541 (VCV001800541.2), dbSNP rs1268417773, ClinGen allele CA373092858.